The following is an entry in ClinVar:

ClinVar aggregate classification (germline): Benign/Likely benign. Review status: criteria provided, multiple submitters, no conflicts (2 of 4 stars). 2 submissions from 2 submitters: Benign (1); Likely benign (1). Last evaluated 2025-03-04.

Allele frequency attached by ClinVar (database versions not stated): ExAC 0.00001; 1000 Genomes Project 30x 0.00016; 1000 Genomes Project 0.00020.
gnomAD v4.1: 14 of 1,611,516 alleles (0.00087%); highest among the groups gnomAD compares: Admixed American, 0.015%; no homozygotes.

Submissions (2):

Center for Genomic Medicine, Rigshospitalet, Copenhagen University Hospital
Classification: Likely benign. Last evaluated: 2025-03-04. Review status: criteria provided, single submitter. Criteria: ACMG Guidelines, 2015. Collection method: clinical testing. Allele origin: germline.

GeneDx
Classification: Benign. Last evaluated: 2014-10-08. Review status: criteria provided, single submitter. Criteria: GeneDx Variant Classification (06012015). Collection method: clinical testing. Allele origin: germline. Affected: yes.
Comment: This variant is considered likely benign or benign based on one or more of the following criteria: it is a conservative change, it occurs at a poorly conserved position in the protein, it is predicted to be benign by multiple in silico algorithms, and/or has population frequency not consistent with disease.

NM_000535.5(PMS2):c.-33C>T

Genes: AIMP2 (aminoacyl tRNA synthetase complex interacting multifunctional protein 2; plus strand), PMS2 (PMS1 homolog 2, mismatch repair system component; minus strand). Cytogenetic location: 7p22.1.
Variant type: single nucleotide variant.
Coding change: c.-33C>T on transcript NM_000535.5; 33 bases upstream of the start codon, C replaced by T.
Molecular consequence: non-coding transcript variant (on NR_136154.1).
Genome position (GRCh38, 1-based): chr7:6,009,052, G>A on the plus strand (C>T on the coding strand, the complement: PMS2 is on the minus strand). VCF-style: chr7-6009052-G-A. GRCh37 (hg19) VCF-style: chr7-6048683-G-A.
Other names: c.-312G>A (NM_006303.4).
Identifiers: ClinVar variation 182813 (VCV000182813.4), dbSNP rs562800874, ClinGen allele CA011882.